The following is an entry in ClinVar:

NM_000492.4(CFTR):c.3367+3A>G

Genes: CFTR (CF transmembrane conductance regulator; plus strand), CFTR-AS2 (CFTR antisense RNA 2; minus strand), LOC111674472 (DNase I hypersensitive sites in introns 16 and 17a of CFTR; plus strand). Cytogenetic location: 7q31.2.
Variant type: single nucleotide variant.
Coding change: c.3367+3A>G on transcript NM_000492.4 (MANE Select); 3 bases into the intron after coding-DNA position 3367, A replaced by G.
Molecular consequence: intron variant.
Genome position (GRCh38, 1-based): chr7:117,611,811, A>G. VCF-style: chr7-117611811-A-G. GRCh37 (hg19) VCF-style: chr7-117251865-A-G.
Identifiers: ClinVar variation 553367 (VCV000553367.4), dbSNP rs1194763712, ClinGen allele CA658822510.
Genomic context (GRCh38, chr7:117,611,811, plus strand): 5'-GAAATGATTTTTGTCATCTTCTTCATTGCTGTTACCTTCATTTCCATTTTAACAACAGGT[A>G]CTATGAACTCATTAACTTTAGCTAAGCATTTAAGTAAAAAATTTTCAATGAATAAAATGC-3'

ClinVar aggregate classification (germline): Uncertain significance. Review status: criteria provided, single submitter (1 of 4 stars). 2 submissions from 2 submitters: Uncertain significance (1). 1 of the submissions does not count toward it. Last evaluated 2022-03-11.

Conditions:
Cystic fibrosis (CF). Also called: MUCOVISCIDOSIS. Identifiers: Orphanet 586, MedGen C0010674, MONDO:0009061, OMIM 219700. Disease mechanism: loss of function.

gnomAD v4.1: 12 of 1,595,268 alleles (0.00075%); highest among the groups gnomAD compares: African/African-American, 0.0013%; no homozygotes.

Submissions (2):

Labcorp Genetics (formerly Invitae), Labcorp
Classification: Uncertain significance for Cystic fibrosis. Last evaluated: 2022-03-11. Review status: criteria provided, single submitter. Criteria: Invitae Variant Classification Sherloc (09022015). Collection method: clinical testing. Allele origin: germline.
Comment: This sequence change falls in intron 20 of the CFTR gene. It does not directly change the encoded amino acid sequence of the CFTR protein. It affects a nucleotide within the consensus splice site. This variant is not present in population databases (gnomAD no frequency). This variant has not been reported in the literature in individuals affected with CFTR-related conditions. ClinVar contains an entry for this variant (Variation ID: 553367). Variants that disrupt the consensus splice site are a relatively common cause of aberrant splicing (PMID: 17576681, 9536098). Algorithms developed to predict the effect of sequence changes on RNA splicing suggest that this variant may disrupt the consensus splice site. In summary, the available evidence is currently insufficient to determine the role of this variant in disease. Therefore, it has been classified as a Variant of Uncertain Significance.

Counsyl
Classification: Uncertain significance for Cystic fibrosis. Last evaluated: 2017-08-25. Review status: no assertion criteria provided. Collection method: clinical testing. Allele origin: unknown. Not counted in ClinVar's aggregate classification.

Literature cited by the submitters: PubMed 17576681 (cited by Labcorp Genetics (formerly Invitae), Labcorp); PubMed 9536098 (cited by Labcorp Genetics (formerly Invitae), Labcorp).